The following is an entry in ClinVar:

ClinVar aggregate classification (germline): Uncertain significance. Review status: criteria provided, multiple submitters, no conflicts (2 of 4 stars). 5 submissions from 5 submitters: Uncertain significance (5). Last evaluated 2025-03-15.

Conditions:
Hereditary cancer-predisposing syndrome. Also called: Hereditary neoplastic syndrome; Neoplastic Syndromes, Hereditary; Tumor predisposition; Hereditary Cancer Syndrome. Identifiers: Orphanet 140162, MedGen C0027672, MeSH D009386, MONDO:0015356.
Microcephaly, normal intelligence and immunodeficiency (NBS). Also called: IMMUNODEFICIENCY, MICROCEPHALY, AND CHROMOSOMAL INSTABILITY; SEEMANOVA SYNDROME II; Nijmegen breakage syndrome; Microcephaly with normal intelligence immunodeficiency and lymphoreticular malignancies; Nonsyndromal microcephaly autosomal recessive with normal intelligence; Seemanova syndrome 2. Identifiers: Orphanet 647, MedGen C0398791, MONDO:0009623, OMIM 251260.
Aplastic anemia. Identifiers: Orphanet 182040, Orphanet 88, MedGen C0002874, MONDO:0015909, OMIM 609135, HP:0001915.

Allele frequency attached by ClinVar (database versions not stated): gnomAD exomes below 0.00001.
gnomAD v4.1: 1 of 1,613,608 alleles (0.000062%); highest among the groups gnomAD compares: Non-Finnish European, 0.000085%; no homozygotes.

Submissions (5):

Ambry Genetics
Classification: Uncertain significance for Hereditary cancer-predisposing syndrome. Last evaluated: 2025-03-15. Review status: criteria provided, single submitter. Criteria: Ambry Variant Classification Scheme 2023. Collection method: clinical testing. Allele origin: germline.
Comment: The p.S499P variant (also known as c.1495T>C), located in coding exon 11 of the NBN gene, results from a T to C substitution at nucleotide position 1495. The serine at codon 499 is replaced by proline, an amino acid with similar properties. This variant has been reported in a cohort of 882 high-risk HBOC patients from China (Shao D et al. Cancer Sci., 2020 Feb;111:647-657). This amino acid position is not well conserved in available vertebrate species. In addition, this alteration is predicted to be tolerated by in silico analysis. Since supporting evidence is limited at this time, the clinical significance of this alteration remains unclear.

Labcorp Genetics (formerly Invitae), Labcorp
Classification: Uncertain significance for Microcephaly, normal intelligence and immunodeficiency. Last evaluated: 2024-04-10. Review status: criteria provided, single submitter. Criteria: Invitae Variant Classification Sherloc (09022015). Collection method: clinical testing. Allele origin: germline.
Comment: This sequence change replaces serine, which is neutral and polar, with proline, which is neutral and non-polar, at codon 499 of the NBN protein (p.Ser499Pro). This variant is not present in population databases (gnomAD no frequency). This variant has not been reported in the literature in individuals affected with NBN-related conditions. ClinVar contains an entry for this variant (Variation ID: 481833). An algorithm developed to predict the effect of missense changes on protein structure and function (PolyPhen-2) suggests that this variant is likely to be tolerated. In summary, the available evidence is currently insufficient to determine the role of this variant in disease. Therefore, it has been classified as a Variant of Uncertain Significance.

Baylor Genetics
Classification: Uncertain significance for Aplastic anemia. Last evaluated: 2023-09-25. Review status: criteria provided, single submitter. Criteria: ACMG Guidelines, 2015. Collection method: clinical testing. Allele origin: unknown.

Genome-Nilou Lab
Classification: Uncertain significance for Microcephaly, normal intelligence and immunodeficiency. Last evaluated: 2021-11-07. Review status: criteria provided, single submitter. Criteria: ACMG Guidelines, 2015. Collection method: clinical testing. Allele origin: germline. Affected: no.

GeneDx
Classification: Uncertain significance. Last evaluated: 2019-05-14. Review status: criteria provided, single submitter. Criteria: GeneDx Variant Classification Process June 2021. Collection method: clinical testing. Allele origin: germline. Affected: yes.
Comment: Not observed in large population cohorts (Lek et al., 2016); In silico analysis, which includes protein predictors and evolutionary conservation, supports a deleterious effect; Has not been previously published as pathogenic or benign to our knowledge

Literature cited by the submitters: PubMed 31742824 (cited by Ambry Genetics).

NM_002485.5(NBN):c.1495T>C (p.Ser499Pro)

Gene: NBN (nibrin; minus strand). Cytogenetic location: 8q21.3.
Variant type: single nucleotide variant.
Coding change: c.1495T>C on transcript NM_002485.5 (MANE Select); coding-DNA position 1495, T replaced by C.
Protein change: p.Ser499Pro; replaces serine 499 with proline.
Molecular consequence: missense variant.
Genome position (GRCh38, 1-based): chr8:89,953,594, A>G on the plus strand (T>C on the coding strand, the complement: NBN is on the minus strand). VCF-style: chr8-89953594-A-G. GRCh37 (hg19) VCF-style: chr8-90965822-A-G.
Other names: c.1249T>C, p.Ser417Pro (NM_001024688.3); short protein forms S499P, S417P.
Identifiers: ClinVar variation 481833 (VCV000481833.22), dbSNP rs1554558483, ClinGen allele CA371655741.